The following is an entry in ClinVar:

NM_001385875.1(ZFYVE27):c.876+3G>C

Gene: ZFYVE27 (zinc finger FYVE-type containing 27; plus strand). Cytogenetic location: 10q24.2.
Variant type: single nucleotide variant.
Coding change: c.876+3G>C on transcript NM_001385875.1 (MANE Select); 3 bases into the intron after coding-DNA position 876, G replaced by C.
Molecular consequence: intron variant.
Genome position (GRCh38, 1-based): chr10:97,751,465, G>C. VCF-style: chr10-97751465-G-C. GRCh37 (hg19) VCF-style: chr10-99511222-G-C.
Other names: c.930+3G>C (NM_001385876.1); c.891+3G>C (NM_001385871.1, NM_001385879.1, NM_001002261.4 and 2 more transcripts); c.876+3G>C (NM_144588.7, NM_001002262.4, NM_001385877.1 and 3 more transcripts); c.654+3G>C (NM_001385903.1, NM_001385904.1); c.639+3G>C (NM_001385899.1, NM_001385900.1, NM_001385905.1); c.633+3G>C (NM_001385902.1, NM_001385901.1, NM_001385911.1); c.618+3G>C (NM_001385908.1, NM_001385906.1, NM_001174120.2); c.687+3G>C (NM_001385890.1, NM_001385895.1, NM_001385893.1 and 2 more transcripts); and 8 more.
Identifiers: ClinVar variation 3672745 (VCV003672745.2).

ClinVar aggregate classification (germline): Uncertain significance (1 of 4 stars; one submission).

Conditions:
Spastic paraplegia. Identifiers: MedGen C0037772, HP:0001258.

gnomAD v4.1: 11 of 1,613,556 alleles (0.00068%); highest among the groups gnomAD compares: Admixed American, 0.005%; no homozygotes.

Submission:

Labcorp Genetics (formerly Invitae), Labcorp
Classification: Uncertain significance for Spastic paraplegia. Last evaluated: 2025-06-12. Review status: criteria provided, single submitter. Criteria: Invitae Variant Classification Sherloc (09022015). Collection method: clinical testing. Allele origin: germline.
Comment: This sequence change falls in intron 7 of the ZFYVE27 gene. It does not directly change the encoded amino acid sequence of the ZFYVE27 protein. It affects a nucleotide within the consensus splice site. This variant is present in population databases (rs763205959, gnomAD 0.003%). This variant has not been reported in the literature in individuals affected with ZFYVE27-related conditions. ClinVar contains an entry for this variant (Variation ID: 3672745). Variants that disrupt the consensus splice site are a relatively common cause of aberrant splicing (PMID: 17576681, 9536098). Algorithms developed to predict the effect of sequence changes on RNA splicing suggest that this variant is not likely to affect RNA splicing. In summary, the available evidence is currently insufficient to determine the role of this variant in disease. Therefore, it has been classified as a Variant of Uncertain Significance.

Literature cited by the submitters: PubMed 17576681; PubMed 9536098.